The following is an entry in ClinVar:

NM_001148.6(ANK2):c.3721A>G (p.Lys1241Glu)

Gene: ANK2 (ankyrin 2; plus strand). Cytogenetic location: 4q26.
Variant type: single nucleotide variant.
Coding change: c.3721A>G on transcript NM_001148.6 (MANE Select); coding-DNA position 3721, A replaced by G.
Protein change: p.Lys1241Glu; replaces lysine 1241 with glutamic acid.
Molecular consequence: missense variant.
Genome position (GRCh38, 1-based): chr4:113,336,706, A>G. VCF-style: chr4-113336706-A-G. GRCh37 (hg19) VCF-style: chr4-114257862-A-G.
Other names: c.3763A>G, p.Lys1255Glu (NM_001354242.2, NM_001354231.2); c.3658A>G, p.Lys1220Glu (NM_001354243.2, NM_001354255.2, NM_001386143.1); c.3655A>G, p.Lys1219Glu (NM_001354244.2, NM_001354256.2, NM_001386161.1); c.3559A>G, p.Lys1187Glu (NM_001354245.2, NM_001354262.2, NM_001354275.2); c.3670A>G, p.Lys1224Glu (NM_001354254.2); c.3460A>G, p.Lys1154Glu (NM_001354257.2, NM_001386156.1); c.3694A>G, p.Lys1232Glu (NM_001127493.3); c.3733A>G, p.Lys1245Glu (NM_001354225.2); and 31 more; short protein forms K1080E, K1113E, K1179E, K1207E, K1256E, K1260E, K429E, K1146E.
Identifiers: ClinVar variation 2781063 (VCV002781063.3), dbSNP rs746276204, ClinGen allele CA3050906.

ClinVar aggregate classification (germline): Uncertain significance (1 of 4 stars; one submission).

Conditions:
Long QT syndrome (LQTS). Identifiers: MedGen C0023976, MeSH D008133, MONDO:0002442. Disease mechanism: loss of function. Inheritance: Various modes of inheritance.

Allele frequency attached by ClinVar (database versions not stated): gnomAD exomes below 0.00001; ExAC 0.00001; gnomAD 0.00001; TOPMed 0.00002.
gnomAD v4.1: 3 of 1,614,036 alleles (0.00019%); highest among the groups gnomAD compares: Non-Finnish European, 0.00025%; no homozygotes.

Submission:

Labcorp Genetics (formerly Invitae), Labcorp
Classification: Uncertain significance for Long QT syndrome. Last evaluated: 2023-07-22. Review status: criteria provided, single submitter. Criteria: Invitae Variant Classification Sherloc (09022015). Collection method: clinical testing. Allele origin: germline.
Comment: In summary, the available evidence is currently insufficient to determine the role of this variant in disease. Therefore, it has been classified as a Variant of Uncertain Significance. Advanced modeling of protein sequence and biophysical properties (such as structural, functional, and spatial information, amino acid conservation, physicochemical variation, residue mobility, and thermodynamic stability) has been performed at Invitae for this missense variant, however the output from this modeling did not meet the statistical confidence thresholds required to predict the impact of this variant on ANK2 protein function. This variant has not been reported in the literature in individuals affected with ANK2-related conditions. This variant is present in population databases (rs746276204, gnomAD 0.002%). This sequence change replaces lysine, which is basic and polar, with glutamic acid, which is acidic and polar, at codon 1241 of the ANK2 protein (p.Lys1241Glu).